The following is an entry in ClinVar:

ClinVar aggregate classification (germline): Conflicting classifications of pathogenicity. Review status: criteria provided, conflicting classifications (1 of 4 stars). 16 submissions from 16 submitters: Uncertain significance (1); Benign (8); Likely benign (3). 4 of the submissions do not count toward it. Last evaluated 2026-03-27.

Conditions:
Cardiovascular phenotype. Identifiers: MedGen CN230736.
PKP2-related disorder. Also called: PKP2-related condition.
Cardiomyopathy (CMYO). Also called: Cardiomyopathies. Identifiers: Orphanet 167848, MedGen C0878544, MONDO:0004994, HP:0001638. Inheritance: Various modes of inheritance.
Arrhythmogenic right ventricular dysplasia 9 (ARVD9). Also called: Arrhythmogenic Right Ventricular Dysplasia/Cardiomyopathy 9; ARRHYTHMOGENIC RIGHT VENTRICULAR DYSPLASIA, FAMILIAL, 9. Identifiers: MedGen C1836906, MONDO:0012180, OMIM 609040.

Allele frequency attached by ClinVar (database versions not stated): gnomAD exomes 0.00026 and 0.00064; ExAC 0.00077; ESP Exome Variant Server 0.00192; gnomAD 0.00219 and 0.00231; TOPMed 0.00247; 1000 Genomes Project 0.00359; 1000 Genomes Project 30x 0.00375.
gnomAD v4.1: 724 of 1,613,816 alleles (0.045%); highest among the groups gnomAD compares: African/African-American, 0.78%; 4 homozygotes.

Submissions (16):

Molecular Diagnostic Laboratory for Inherited Cardiovascular Disease, Montreal Heart Institute
Classification: Benign. Last evaluated: 2026-03-27. Review status: criteria provided, single submitter. Criteria: ACMG Guidelines, 2015. Collection method: clinical testing. Allele origin: germline. Affected: no.
Comment: BS1;BP4

Labcorp Genetics (formerly Invitae), Labcorp
Classification: Benign for Arrhythmogenic right ventricular dysplasia 9. Last evaluated: 2026-02-03. Review status: criteria provided, single submitter. Criteria: Invitae Variant Classification Sherloc (09022015). Collection method: clinical testing. Allele origin: germline.

ARUP Laboratories, Molecular Genetics and Genomics, ARUP Laboratories
Classification: Likely benign for Arrhythmogenic right ventricular dysplasia 9. Last evaluated: 2025-06-25. Review status: criteria provided, single submitter. Criteria: ARUP Molecular Germline Variant Investigation Process 2024. Collection method: clinical testing. Allele origin: germline.

Blueprint Genetics
Classification: Likely benign. Last evaluated: 2024-10-15. Review status: criteria provided, single submitter. Criteria: ACMG Guidelines, 2015. Collection method: clinical testing. Allele origin: germline.

CHEO Genetics Diagnostic Laboratory, Children's Hospital of Eastern Ontario
Classification: Benign for Cardiomyopathy. Last evaluated: 2023-05-16. Review status: criteria provided, single submitter. Criteria: ACMG Guidelines, 2015. Collection method: clinical testing. Allele origin: germline. Study: Canadian Open Genetics Repository.

Mendelics
Classification: Benign for Arrhythmogenic right ventricular dysplasia 9. Last evaluated: 2019-05-28. Review status: criteria provided, single submitter. Criteria: Mendelics Assertion Criteria 2017. Collection method: clinical testing. Allele origin: unknown.

Color Diagnostics, LLC DBA Color Health
Classification: Benign for Cardiomyopathy. Last evaluated: 2018-04-13. Review status: criteria provided, single submitter. Criteria: ACMG Guidelines, 2015. Collection method: clinical testing. Allele origin: germline.

Ambry Genetics
Classification: Benign for Cardiovascular phenotype. Last evaluated: 2018-03-12. Review status: criteria provided, single submitter. Criteria: Ambry Variant Classification Scheme 2023. Collection method: clinical testing. Allele origin: germline.

Illumina Laboratory Services, Illumina
Classification: Uncertain significance for Arrhythmogenic right ventricular dysplasia 9. Last evaluated: 2018-02-06. Review status: criteria provided, single submitter. Criteria: ICSL Variant Classification Criteria 13 December 2019. Collection method: clinical testing. Allele origin: germline.

Laboratory for Molecular Medicine, Mass General Brigham Personalized Medicine
Classification: Likely benign. Last evaluated: 2017-05-18. Review status: criteria provided, single submitter. Criteria: LMM Criteria. Collection method: clinical testing. Allele origin: germline. Observed: 6 variant alleles.
Comment: p.Thr798Ala in exon 12 of PKP2: This variant is not expected to have clinical si gnificance because it has been identified in 0.8% (181/24012) of African chromos omes, including 1 homozygote, by the Genome Aggregation Database (gnomAD; dbSNP rs112592855).

GeneDx
Classification: Benign. Last evaluated: 2015-05-06. Review status: criteria provided, single submitter. Criteria: GeneDx Variant Classification (06012015). Collection method: clinical testing. Allele origin: germline. Affected: yes.
Comment: This variant is considered likely benign or benign based on one or more of the following criteria: it is a conservative change, it occurs at a poorly conserved position in the protein, it is predicted to be benign by multiple in silico algorithms, and/or has population frequency not consistent with disease.

Biesecker Lab/Clinical Genomics Section, National Institutes of Health
Classification: Benign. Last evaluated: 2013-06-24. Review status: criteria provided, single submitter. Criteria: Ng et al. (Circ Cardiovasc Genet. 2013). Collection method: research. Allele origin: unknown. Observed: 1 variant allele. Study: ClinSeq.
Comment: The study set was not selected for affection status in relation to any cancer. Pathogenicity categories were based on literature curation. See Pubmed ID:23861362 for details.

Medical sequencing

PreventionGenetics, part of Exact Sciences
Classification: Likely benign for PKP2-related condition. Last evaluated: 2020-01-27. Review status: no assertion criteria provided. Collection method: clinical testing. Allele origin: germline. Not counted in ClinVar's aggregate classification.
Comment: This variant is classified as likely benign based on ACMG/AMP sequence variant interpretation guidelines (Richards et al. 2015 PMID: 25741868, with internal and published modifications).

Clinical Genetics DNA and cytogenetics Diagnostics Lab, Erasmus MC, Erasmus Medical Center
Classification: Likely benign. Review status: no assertion criteria provided. Collection method: clinical testing. Allele origin: germline. Affected: yes. Study: VKGL Data-share Consensus. Not counted in ClinVar's aggregate classification.

Clinical Genetics, Academic Medical Center
Classification: Benign. Review status: no assertion criteria provided. Collection method: clinical testing. Allele origin: germline. Affected: yes. Study: VKGL Data-share Consensus. Not counted in ClinVar's aggregate classification.

Joint Genome Diagnostic Labs from Nijmegen and Maastricht, Radboudumc and MUMC+
Classification: Likely benign. Review status: no assertion criteria provided. Collection method: clinical testing. Allele origin: germline. Affected: yes. Study: VKGL Data-share Consensus. Not counted in ClinVar's aggregate classification.

NM_001005242.3(PKP2):c.2260A>G (p.Thr754Ala)

Gene: PKP2 (plakophilin 2; minus strand). Cytogenetic location: 12p11.21.
Variant type: single nucleotide variant.
Coding change: c.2260A>G on transcript NM_001005242.3 (MANE Select); coding-DNA position 2260, A replaced by G.
Protein change: p.Thr754Ala; replaces threonine 754 with alanine.
Molecular consequence: missense variant.
Genome position (GRCh38, 1-based): chr12:32,796,206, T>C on the plus strand (A>G on the coding strand, the complement: PKP2 is on the minus strand). VCF-style: chr12-32796206-T-C. GRCh37 (hg19) VCF-style: chr12-32949140-T-C.
Other names: p.T798A:ACA>GCA; c.2260A>G (NM_001005242.2); c.2392A>G, p.Thr798Ala (NM_004572.4); short protein forms T798A, T754A.
Identifiers: ClinVar variation 45067 (VCV000045067.47), dbSNP rs112592855, ClinGen allele CA011995.
Genomic context (GRCh38, chr12:32,796,206, plus strand): 5'-CCCCGGTGTTTAGAAGGTCGCGTGCATTCTGGTAACTGTTTTGGATTATGTTGTTCAATG[T>C]GTAACAGGCAGAGGCTGTAGTTTCAATGAGAAGGTCAGTACTCGGGACTGTGTCAGGAAT-3'
Protein context (NP_001005242.2, residues 744-764): LIETTASACY[Thr754Ala]LNNIIQNSYQ